The following is an entry in ClinVar:

NM_002691.4(POLD1):c.3257G>A (p.Arg1086Gln)

Gene: POLD1 (DNA polymerase delta 1, catalytic subunit; plus strand). Cytogenetic location: 19q13.33.
Variant type: single nucleotide variant.
Coding change: c.3257G>A on transcript NM_002691.4 (MANE Select); coding-DNA position 3257, G replaced by A.
Protein change: p.Arg1086Gln; replaces arginine 1086 with glutamine.
Molecular consequence: missense variant. On other transcripts: non-coding transcript variant (1).
Genome position (GRCh38, 1-based): chr19:50,417,880, G>A. VCF-style: chr19-50417880-G-A. GRCh37 (hg19) VCF-style: chr19-50921137-G-A.
Other names: c.3257G>A, p.Arg1086Gln (NM_001256849.1); c.3335G>A, p.Arg1112Gln (NM_001308632.1); short protein forms R1086Q, R1112Q.
Identifiers: ClinVar variation 239338 (VCV000239338.42), dbSNP rs3219457, ClinGen allele CA9596832.

ClinVar aggregate classification (germline): Conflicting classifications of pathogenicity. Review status: criteria provided, conflicting classifications (1 of 4 stars). 9 submissions from 9 submitters: Uncertain significance (4); Benign (1); Likely benign (4). Last evaluated 2026-05-28.

Conditions:
Hereditary cancer-predisposing syndrome. Also called: Hereditary Cancer Syndrome; Neoplastic Syndromes, Hereditary; Hereditary neoplastic syndrome; Tumor predisposition. Identifiers: Orphanet 140162, MedGen C0027672, MeSH D009386, MONDO:0015356.
Familial colorectal cancer type X. Identifiers: Orphanet 440437, MedGen C3896578, MONDO:0018604.
Polymerase proofreading-related adenomatous polyposis. Also called: Polymerase proofreading associated polyposis; Polymerase proofreading–associated polyposis (PPAP). Identifiers: Orphanet 447877, MedGen C5202613, MONDO:0018653.
POLD1-related polyposis and colorectal cancer syndrome (CRCS10). Also called: COLORECTAL CANCER, SUSCEPTIBILITY TO, ON CHROMOSOME 19q; Colorectal cancer 10; Colorectal cancer, susceptibility to, 10. Identifiers: Orphanet 220460, MedGen C2675481, MONDO:0012953, OMIM 612591.

Allele frequency attached by ClinVar (database versions not stated): gnomAD exomes 0.00004 and 0.00008; ExAC 0.00015; TOPMed 0.00024; gnomAD 0.00025; ESP Exome Variant Server 0.00054.
gnomAD v4.1: 104 of 1,610,986 alleles (0.0065%); highest among the groups gnomAD compares: African/African-American, 0.088%; 1 homozygote.

Submissions (9):

Women's Health and Genetics/Laboratory Corporation of America, LabCorp
Classification: Likely benign. Last evaluated: 2026-05-28. Review status: criteria provided, single submitter. Criteria: LabCorp Variant Classification Summary - May 2015. Collection method: clinical testing. Allele origin: germline.
Comment: Variant summary: POLD1 c.3257G>A (p.Arg1086Gln) results in a conservative amino acid change in the encoded protein sequence. Algorithms developed to predict the effect of missense changes on protein structure and function are either unavailable or do not agree on the potential impact of this missense change. The variant allele was found at a frequency of 8.3e-05 in 241976 control chromosomes. The observed variant frequency exceeds the estimated maximal expected allele frequency for disease-causing variants in POLD1. c.3257G>A has not been observed in individuals affected with POLD1-related conditions. To our knowledge, no experimental evidence demonstrating an impact on protein function has been reported. ClinVar contains an entry for this variant (Variation ID: 239338). Based on the evidence outlined above, the variant was classified as likely benign.

St. Jude Molecular Pathology, St. Jude Children's Research Hospital
Classification: Uncertain significance for POLD1-related polyposis and colorectal cancer syndrome. Last evaluated: 2026-02-11. Review status: criteria provided, single submitter. Criteria: St. Jude Assertion Criteria 2020. Collection method: clinical testing. Allele origin: germline.
Comment: The POLD1 c.3257G>A p.(Arg1086Gln) missense change has a maximum subpopulation frequency of 0.08% in gnomAD v2.1.1. The in silico tool REVEL predicts a benign effect on protein function, but to our knowledge this prediction has not been confirmed by functional studies. To our knowledge, this variant has not been reported in the literature in individuals with POLD1-related disease. In summary, the evidence currently available is insufficient to determine the clinical significance of this variant. It has therefore been classified as of uncertain significance.

Labcorp Genetics (formerly Invitae), Labcorp
Classification: Likely benign for POLD1-related polyposis and colorectal cancer syndrome. Last evaluated: 2026-01-20. Review status: criteria provided, single submitter. Criteria: Invitae Variant Classification Sherloc (09022015). Collection method: clinical testing. Allele origin: germline.

Center for Genomic Medicine, Rigshospitalet, Copenhagen University Hospital
Classification: Uncertain significance. Last evaluated: 2025-12-29. Review status: criteria provided, single submitter. Criteria: ACMG Guidelines, 2015. Collection method: clinical testing. Allele origin: germline.

GeneDx
Classification: Uncertain significance. Last evaluated: 2025-09-25. Review status: criteria provided, single submitter. Criteria: GeneDx Variant Classification Process June 2021. Collection method: clinical testing. Allele origin: germline. Affected: yes.
Comment: In silico analysis suggests that this missense variant does not alter protein structure/function; This variant is associated with the following publications: (PMID: 32041611, 20951805, 29717118, 35620275, 12376507, 19966286)

Laboratorio de I+D, Fundación Centro Médico de Asturias
Classification: Likely benign for Hereditary cancer-predisposing syndrome. Last evaluated: 2025-07-17. Review status: criteria provided, single submitter. Criteria: ACMG Guidelines, 2015. Collection method: clinical testing. Allele origin: germline.
Comment: BP4_Strong+BP1+PM2_Supporting

Ambry Genetics
Classification: Benign for Hereditary cancer-predisposing syndrome. Last evaluated: 2024-06-25. Review status: criteria provided, single submitter. Criteria: Ambry Variant Classification Scheme 2023. Collection method: clinical testing. Allele origin: germline.

Department of Pathology and Laboratory Medicine, Sinai Health System
Classification: Likely benign for Polymerase proofreading-related adenomatous polyposis; Familial colorectal cancer type X. Last evaluated: 2023-11-29. Review status: criteria provided, single submitter. Criteria: ACMG Guidelines, 2015. Collection method: clinical testing. Allele origin: germline. Affected: yes.

Sema4
Classification: Uncertain significance for Hereditary cancer-predisposing syndrome. Last evaluated: 2021-04-08. Review status: criteria provided, single submitter. Criteria: Sema4 Curation Guidelines. Collection method: curation. Allele origin: germline.
Comment: To the best of our knowledge, the POLD1 c.3257G>A (p.R1086Q) variant has not been reported in individuals with POLD1-related disease. A yeast-based assay showed that this variant did not affect DNA polymerases or mutagenesis (PMID: 19966286). This variant was observed in 18/23826 chromosomes in the African/African American population, with no homozygotes, according to the Genome Aggregation Database (PMID: 32461654). This variant has been reported in ClinVar (Variation ID: 239338). In silico tools suggest the impact of the variant on protein function is benign, though these predictions have not been confirmed by functional studies in human-derived cell lines. Based on the current evidence available, this variant is interpreted as a variant of uncertain significance.

Literature cited by the submitters: PubMed 12376507 (cited by Women's Health and Genetics/Laboratory Corporation of America, LabCorp and Department of Pathology and Laboratory Medicine, Sinai Health System); PubMed 32041611 (cited by Women's Health and Genetics/Laboratory Corporation of America, LabCorp and Department of Pathology and Laboratory Medicine, Sinai Health System); PubMed 35620275 (cited by Department of Pathology and Laboratory Medicine, Sinai Health System); PubMed 19966286 (cited by Department of Pathology and Laboratory Medicine, Sinai Health System and Sema4).